The following is an entry in ClinVar:

NM_001042492.3(NF1):c.2405G>T (p.Gly802Val)

Gene: NF1 (neurofibromin 1; plus strand). Cytogenetic location: 17q11.2.
Variant type: single nucleotide variant.
Coding change: c.2405G>T on transcript NM_001042492.3 (MANE Select); coding-DNA position 2405, G replaced by T.
Protein change: p.Gly802Val; replaces glycine 802 with valine.
Molecular consequence: missense variant.
Genome position (GRCh38, 1-based): chr17:31,227,602, G>T. VCF-style: chr17-31227602-G-T. GRCh37 (hg19) VCF-style: chr17-29554620-G-T.
Other names: c.2405G>T, p.Gly802Val (NM_000267.4); short protein forms G802V.
Identifiers: ClinVar variation 4615717 (VCV004615717.1).

ClinVar aggregate classification (germline): Uncertain significance (1 of 4 stars; one submission).

Conditions:
Cardiovascular phenotype. Identifiers: MedGen CN230736.
Hereditary cancer-predisposing syndrome. Also called: Neoplastic Syndromes, Hereditary; Tumor predisposition; Hereditary Cancer Syndrome; Hereditary neoplastic syndrome. Identifiers: Orphanet 140162, MedGen C0027672, MeSH D009386, MONDO:0015356.

Submission:

Ambry Genetics
Classification: Uncertain significance for Cardiovascular phenotype; Hereditary cancer-predisposing syndrome. Last evaluated: 2025-09-19. Review status: criteria provided, single submitter. Criteria: Ambry Variant Classification Scheme 2023. Collection method: clinical testing. Allele origin: germline.
Comment: The p.G802V variant (also known as c.2405G>T), located in coding exon 20 of the NF1 gene, results from a G to T substitution at nucleotide position 2405. The glycine at codon 802 is replaced by valine, an amino acid with dissimilar properties. This amino acid position is conserved. In addition, the in silico prediction for this alteration is inconclusive. Based on the available evidence, the clinical significance of this variant remains unclear.